The following is an entry in ClinVar:

NM_001242896.3(DEPDC5):c.4122C>A (p.Tyr1374Ter)

Gene: DEPDC5 (DEP domain containing 5, GATOR1 subcomplex subunit; plus strand). Cytogenetic location: 22q12.3.
Variant type: single nucleotide variant.
Coding change: c.4122C>A on transcript NM_001242896.3 (MANE Select); coding-DNA position 4122, C replaced by A.
Protein change: p.Tyr1374Ter; replaces tyrosine 1374 with a stop codon.
Molecular consequence: nonsense. On other transcripts: non-coding transcript variant (5).
Genome position (GRCh38, 1-based): chr22:31,893,670, C>A. VCF-style: chr22-31893670-C-A. GRCh37 (hg19) VCF-style: chr22-32289656-C-A.
Other names: c.4095C>A, p.Tyr1365Ter (NM_001136029.4); c.3822C>A, p.Tyr1274Ter (NM_001242897.2); c.4056C>A, p.Tyr1352Ter (NM_001363852.2, NM_001364320.2); c.3888C>A, p.Tyr1296Ter (NM_001363854.2, NM_001364319.2); c.4122C>A, p.Tyr1374Ter (NM_001364318.2); c.4038C>A, p.Tyr1346Ter (NM_001369901.1, NM_001369902.1); c.4029C>A, p.Tyr1343Ter (NM_001369903.1, NM_014662.6); short protein forms Y1274*, Y1296*, Y1343*, Y1352*, Y1346*, Y1365*, Y1374*.
Identifiers: ClinVar variation 1364986 (VCV001364986.6), dbSNP rs939021094, ClinGen allele CA411287059.

ClinVar aggregate classification (germline): Pathogenic (1 of 4 stars; one submission).

Conditions:
Familial focal epilepsy with variable foci (FPEVF). Identifiers: Orphanet 98820, MedGen C1858477, MONDO:0020310.

Submission:

Labcorp Genetics (formerly Invitae), Labcorp
Classification: Pathogenic for Familial focal epilepsy with variable foci. Last evaluated: 2026-01-12. Review status: criteria provided, single submitter. Criteria: Invitae Variant Classification Sherloc (09022015). Collection method: clinical testing. Allele origin: germline.
Comment: This sequence change creates a premature translational stop signal (p.Tyr1374*) in the DEPDC5 gene. It is expected to result in an absent or disrupted protein product. Loss-of-function variants in DEPDC5 are known to be pathogenic (PMID: 23542697, 23542701). This variant is not present in population databases (gnomAD no frequency). This variant has not been reported in the literature in individuals affected with DEPDC5-related conditions. ClinVar contains an entry for this variant (Variation ID: 1364986). Algorithms developed to predict the effect of sequence changes on RNA splicing suggest that this variant may disrupt the consensus splice site. For these reasons, this variant has been classified as Pathogenic.

Literature cited by the submitters: PubMed 23542697; PubMed 23542701.